The following is an entry in ClinVar:

NM_001077418.3(TMEM231):c.95C>T (p.Ala32Val)

Gene: TMEM231 (transmembrane protein 231; minus strand). Cytogenetic location: 16q23.1.
Variant type: single nucleotide variant.
Coding change: c.95C>T on transcript NM_001077418.3 (MANE Select); coding-DNA position 95, C replaced by T.
Protein change: p.Ala32Val; replaces alanine 32 with valine.
Molecular consequence: missense variant. On other transcripts: non-coding transcript variant (1).
Genome position (GRCh38, 1-based): chr16:75,556,115, G>A on the plus strand (C>T on the coding strand, the complement: TMEM231 is on the minus strand). VCF-style: chr16-75556115-G-A. GRCh37 (hg19) VCF-style: chr16-75590013-G-A.
Other names: c.157C>T, p.Arg53Cys (NM_001077416.2); c.85C>T (NM_001077416.1); short protein forms R53C, A32V.
Identifiers: ClinVar variation 516700 (VCV000516700.29), dbSNP rs201181950, ClinGen allele CA8176304.
Genomic context (GRCh38, chr16:75,556,115, plus strand): 5'-GCCGGGGCAGGCTCACCGTGGCTCCGGAAGGCCACCAGCAGCGGCGGGATGTACGTGAGC[G>A]CAGCGGCCAGCAGCAGGAACAGCGCGGCTTTGGAGCAGAGCCCCGCGCGGTAACTGCGCT-3'
Protein context (NP_001070886.1, residues 22-42): KAALFLLLAA[Ala32Val]LTYIPPLLVA

ClinVar aggregate classification (germline): Conflicting classifications of pathogenicity. Review status: criteria provided, conflicting classifications (1 of 4 stars). 7 submissions from 7 submitters: Uncertain significance (1); Likely benign (6). Last evaluated 2026-01-28.

Conditions:
Meckel syndrome, type 11 (MKS11). Identifiers: Orphanet 564, MedGen C3809352, MONDO:0014164, OMIM 615397.
Joubert syndrome 20 (JBTS20). Identifiers: Orphanet 475, MedGen C3554235, MONDO:0013994, OMIM 614970.
Inborn genetic diseases. Identifiers: MedGen C0950123, MeSH D030342.

Allele frequency attached by ClinVar (database versions not stated): gnomAD exomes 0.00016 and 0.00029; ExAC 0.00065; ESP Exome Variant Server 0.00099; gnomAD 0.00103 and 0.00105; TOPMed 0.00117; 1000 Genomes Project 0.00140; 1000 Genomes Project 30x 0.00156.
gnomAD v4.1: 451 of 1,570,908 alleles (0.029%); highest among the groups gnomAD compares: African/African-American, 0.44%; 9 homozygotes.

Submissions (7):

Labcorp Genetics (formerly Invitae), Labcorp
Classification: Likely benign for Joubert syndrome 20; Meckel syndrome, type 11. Last evaluated: 2026-01-28. Review status: criteria provided, single submitter. Criteria: Invitae Variant Classification Sherloc (09022015). Collection method: clinical testing. Allele origin: germline.

Genomic Medicine Center of Excellence, King Faisal Specialist Hospital and Research Centre
Classification: Likely benign. Last evaluated: 2025-08-18. Review status: criteria provided, single submitter. Criteria: ACMG Guidelines, 2015. Collection method: clinical testing. Allele origin: germline.

CeGaT Center for Human Genetics Tuebingen
Classification: Likely benign. Last evaluated: 2025-02-01. Review status: criteria provided, single submitter. Criteria: CeGaT Center For Human Genetics Tuebingen Variant Classification Criteria Version 2. Collection method: clinical testing. Allele origin: germline. Affected: yes. Observed: 1 variant allele.
Comment: TMEM231: BP4, BS2

Blueprint Genetics
Classification: Likely benign. Last evaluated: 2024-09-02. Review status: criteria provided, single submitter. Criteria: ACMG Guidelines, 2015. Collection method: clinical testing. Allele origin: germline.

Ambry Genetics
Classification: Uncertain significance for Inborn genetic diseases. Last evaluated: 2021-01-27. Review status: criteria provided, single submitter. Criteria: Ambry Variant Classification Scheme 2023. Collection method: clinical testing. Allele origin: germline.
Comment: The c.85C>T (p.R29C) alteration is located in exon 1 (coding exon 1) of the TMEM231 gene. This alteration results from a C to T substitution at nucleotide position 85, causing the arginine (R) at amino acid position 29 to be replaced by a cysteine (C). The p.R29C alteration is predicted to be tolerated by in silico analysis. Based on insufficient or conflicting evidence, the clinical significance of this alteration remains unclear.

GeneDx
Classification: Likely benign. Last evaluated: 2017-11-20. Review status: criteria provided, single submitter. Criteria: GeneDx Variant Classification (06012015). Collection method: clinical testing. Allele origin: germline. Affected: yes.
Comment: This variant is considered likely benign or benign based on one or more of the following criteria: it is a conservative change, it occurs at a poorly conserved position in the protein, it is predicted to be benign by multiple in silico algorithms, and/or has population frequency not consistent with disease.

Breakthrough Genomics
Classification: Likely benign. Review status: criteria provided, single submitter. Criteria: ACMG Guidelines, 2015. Collection method: not provided. Allele origin: germline. Inheritance: Autosomal recessive inheritance. Affected: yes.